The following is an entry in ClinVar:

NM_152564.5(VPS13B):c.8074C>G (p.Gln2692Glu)

Gene: VPS13B (vacuolar protein sorting 13 homolog B; plus strand). Cytogenetic location: 8q22.2.
Variant type: single nucleotide variant.
Coding change: c.8074C>G on transcript NM_152564.5 (MANE Select); coding-DNA position 8074, C replaced by G.
Protein change: p.Gln2692Glu; replaces glutamine 2692 with glutamic acid.
Molecular consequence: missense variant.
Genome position (GRCh38, 1-based): chr8:99,809,507, C>G. VCF-style: chr8-99809507-C-G. GRCh37 (hg19) VCF-style: chr8-100821735-C-G.
Other names: c.8149C>G, p.Gln2717Glu (NM_017890.5); short protein forms Q2692E, Q2717E.
Identifiers: ClinVar variation 1955873 (VCV001955873.5), dbSNP rs2491977008, ClinGen allele CA371770198.

ClinVar aggregate classification (germline): Uncertain significance (1 of 4 stars; one submission).

Conditions:
Cohen syndrome (COH1). Also called: Cutis verticis gyrata, retinitis pigmentosa, and sensorineural deafness; PEPPER SYNDROME. Identifiers: Orphanet 193, MedGen C0265223, MONDO:0008999, OMIM 216550.

Submission:

Labcorp Genetics (formerly Invitae), Labcorp
Classification: Uncertain significance for Cohen syndrome. Last evaluated: 2022-03-12. Review status: criteria provided, single submitter. Criteria: Invitae Variant Classification Sherloc (09022015). Collection method: clinical testing. Allele origin: germline.
Comment: In summary, the available evidence is currently insufficient to determine the role of this variant in disease. Therefore, it has been classified as a Variant of Uncertain Significance. Algorithms developed to predict the effect of missense changes on protein structure and function are either unavailable or do not agree on the potential impact of this missense change (SIFT: "Not Available"; PolyPhen-2: "Benign"; Align-GVGD: "Not Available"). This variant has not been reported in the literature in individuals affected with VPS13B-related conditions. This variant is not present in population databases (gnomAD no frequency). This sequence change replaces glutamine, which is neutral and polar, with glutamic acid, which is acidic and polar, at codon 2717 of the VPS13B protein (p.Gln2717Glu).